The following is an entry in ClinVar:

ClinVar aggregate classification (germline): Uncertain significance (1 of 4 stars; one submission).

Conditions:
Severe combined immunodeficiency due to DNA-PKcs deficiency. Also called: Immunodeficiency 26 with or without neurologic abnormalities; IMMUNODEFICIENCY 26 WITH NEUROLOGIC ABNORMALITIES. Identifiers: Orphanet 317425, MedGen C4014833, MONDO:0014423, OMIM 615966.

Submission:

Labcorp Genetics (formerly Invitae), Labcorp
Classification: Uncertain significance for Severe combined immunodeficiency due to DNA-PKcs deficiency. Last evaluated: 2022-02-18. Review status: criteria provided, single submitter. Criteria: Invitae Variant Classification Sherloc (09022015). Collection method: clinical testing. Allele origin: germline.
Comment: Information on the frequency of this variant in the gnomAD database is not available, as this variant may be reported differently in the database. This sequence change replaces serine, which is neutral and polar, with glycine, which is neutral and non-polar, at codon 2955 of the PRKDC protein (p.Ser2955Gly). This variant has not been reported in the literature in individuals affected with PRKDC-related conditions. Experimental studies and prediction algorithms are not available or were not evaluated, and the functional significance of this variant is currently unknown. In summary, the available evidence is currently insufficient to determine the role of this variant in disease. Therefore, it has been classified as a Variant of Uncertain Significance.

NM_006904.7(PRKDC):c.8862_8863delinsAG (p.Ser2955Gly)

Gene: PRKDC (protein kinase, DNA-activated, catalytic subunit; minus strand). Cytogenetic location: 8q11.21.
Variant type: Indel.
Coding change: c.8862_8863delinsAG on transcript NM_006904.7 (MANE Select); coding-DNA positions 8862 to 8863, GA replaced by AG.
Protein change: p.Ser2955Gly; replaces serine 2955 with glycine.
Molecular consequence: missense variant.
Genome position (GRCh38, 1-based): chr8:47,823,917-47,823,918, TC replaced by CT on the plus strand (GA replaced by AG on the coding strand, the reverse complement: PRKDC is on the minus strand). VCF-style: chr8-47823917-TC-CT. GRCh37 (hg19) VCF-style: chr8-48736478-TC-CT.
Other names: c.8862_8863delinsAG, p.Ser2955Gly (NM_001081640.2); short protein forms S2955G.
Identifiers: ClinVar variation 2097911 (VCV002097911.4), dbSNP rs2551865868, ClinGen allele CA2580078337.